The following is an entry in ClinVar:

ClinVar aggregate classification (germline): Uncertain significance. Review status: criteria provided, single submitter (1 of 4 stars). 2 submissions from 2 submitters: Uncertain significance (1). 1 of the submissions does not count toward it. Last evaluated 2021-08-28.

Conditions:
Nemaline myopathy 2 (NEM2). Also called: Nemaline myopathy 2, autosomal recessive. Identifiers: MedGen C1850569, MONDO:0009725, OMIM 256030.

Allele frequency attached by ClinVar (database versions not stated): gnomAD exomes below 0.00001; TOPMed below 0.00001; ExAC 0.00001; gnomAD 0.00001.
gnomAD v4.1: 4 of 1,601,496 alleles (0.00025%); highest among the groups gnomAD compares: South Asian, 0.0022%; no homozygotes.

Submissions (2):

Labcorp Genetics (formerly Invitae), Labcorp
Classification: Uncertain significance for Nemaline myopathy 2. Last evaluated: 2021-08-28. Review status: criteria provided, single submitter. Criteria: Invitae Variant Classification Sherloc (09022015). Collection method: clinical testing. Allele origin: germline.
Comment: This sequence change replaces histidine with arginine at codon 1991 of the NEB protein (p.His1991Arg). The histidine residue is moderately conserved and there is a small physicochemical difference between histidine and arginine. This variant is present in population databases (rs750070644, ExAC 0.006%). This variant has not been reported in the literature in individuals affected with NEB-related conditions. Algorithms developed to predict the effect of missense changes on protein structure and function are either unavailable or do not agree on the potential impact of this missense change (SIFT: "Deleterious"; PolyPhen-2: "Not Available"; Align-GVGD: "Class C0"). In summary, the available evidence is currently insufficient to determine the role of this variant in disease. Therefore, it has been classified as a Variant of Uncertain Significance.

Natera, Inc.
Classification: Uncertain significance for Nemaline myopathy type 2. Last evaluated: 2020-08-27. Review status: no assertion criteria provided. Collection method: clinical testing. Allele origin: germline. Not counted in ClinVar's aggregate classification.

NM_001164508.2(NEB):c.5972A>G (p.His1991Arg)

Gene: NEB (nebulin; minus strand). Cytogenetic location: 2q23.3.
Variant type: single nucleotide variant.
Coding change: c.5972A>G on transcript NM_001164508.2 (MANE Select); coding-DNA position 5972, A replaced by G.
Protein change: p.His1991Arg; replaces histidine 1991 with arginine.
Molecular consequence: missense variant.
Genome position (GRCh38, 1-based): chr2:151,659,168, T>C on the plus strand (A>G on the coding strand, the complement: NEB is on the minus strand). VCF-style: chr2-151659168-T-C. GRCh37 (hg19) VCF-style: chr2-152515682-T-C.
Other names: c.5972A>G, p.His1991Arg (NM_001164507.2, NM_001271208.2, NM_004543.5); short protein forms H1991R.
Identifiers: ClinVar variation 1004873 (VCV001004873.10), dbSNP rs750070644, ClinGen allele CA1910211.